The following is an entry in ClinVar:

ClinVar aggregate classification (germline): Uncertain significance (1 of 4 stars; one submission).

Conditions:
Neuropathy, hereditary sensory and autonomic, type 2A (HSAN2A). Also called: WNK1-Related HSAN2 (HSAN2A); MORVAN DISEASE; NEUROPATHY, CONGENITAL SENSORY; NEUROPATHY, HEREDITARY SENSORY RADICULAR, AUTOSOMAL RECESSIVE; NEUROPATHY, HEREDITARY SENSORY, TYPE IIA; NEUROPATHY, PROGRESSIVE SENSORY, OF CHILDREN. Identifiers: Orphanet 970, MedGen C2752089, MONDO:0024309, OMIM 201300.
Generalized epilepsy with febrile seizures plus, type 7 (GEFSP7). Also called: GEFS+, TYPE 7. Identifiers: Orphanet 36387, MedGen C2751778, MONDO:0013470, OMIM 613863.

Submission:

Labcorp Genetics (formerly Invitae), Labcorp
Classification: Uncertain significance for Neuropathy, hereditary sensory and autonomic, type 2A; Generalized epilepsy with febrile seizures plus, type 7. Last evaluated: 2022-04-18. Review status: criteria provided, single submitter. Criteria: Invitae Variant Classification Sherloc (09022015). Collection method: clinical testing. Allele origin: germline.
Comment: In summary, the available evidence is currently insufficient to determine the role of this variant in disease. Therefore, it has been classified as a Variant of Uncertain Significance. Algorithms developed to predict the effect of missense changes on protein structure and function are either unavailable or do not agree on the potential impact of this missense change (SIFT: "Deleterious"; PolyPhen-2: "Possibly Damaging"; Align-GVGD: "Class C0"). This variant has not been reported in the literature in individuals affected with SCN9A-related conditions. This variant is not present in population databases (gnomAD no frequency). This sequence change replaces asparagine, which is neutral and polar, with histidine, which is basic and polar, at codon 147 of the SCN9A protein (p.Asn147His).

NM_001365536.1(SCN9A):c.439A>C (p.Asn147His)

Gene: SCN9A (sodium voltage-gated channel alpha subunit 9; minus strand). Cytogenetic location: 2q24.3.
Variant type: single nucleotide variant.
Coding change: c.439A>C on transcript NM_001365536.1 (MANE Select); coding-DNA position 439, A replaced by C.
Protein change: p.Asn147His; replaces asparagine 147 with histidine.
Molecular consequence: missense variant.
Genome position (GRCh38, 1-based): chr2:166,306,538, T>G on the plus strand (A>C on the coding strand, the complement: SCN9A is on the minus strand). VCF-style: chr2-166306538-T-G. GRCh37 (hg19) VCF-style: chr2-167163048-T-G.
Other names: c.439A>C, p.Asn147His (NM_002977.4); short protein forms N147H.
Identifiers: ClinVar variation 2091185 (VCV002091185.4), dbSNP rs1574906538, ClinGen allele CA349095360.